The following is an entry in ClinVar:

NM_001291415.2(KDM6A):c.3599A>G (p.Glu1200Gly)

Gene: KDM6A (lysine demethylase 6A; plus strand). Cytogenetic location: Xp11.3.
Variant type: single nucleotide variant.
Coding change: c.3599A>G on transcript NM_001291415.2 (MANE Select); coding-DNA position 3599, A replaced by G.
Protein change: p.Glu1200Gly; replaces glutamic acid 1200 with glycine.
Molecular consequence: missense variant. On other transcripts: non-coding transcript variant (1).
Genome position (GRCh38, 1-based): chrX:45,085,874, A>G. VCF-style: chrX-45085874-A-G. GRCh37 (hg19) VCF-style: chrX-44945119-A-G.
Other names: c.3206A>G, p.Glu1069Gly (NM_001291418.2, NM_001419815.1); c.2555A>G, p.Glu852Gly (NM_001291421.2); c.3341A>G, p.Glu1114Gly (NM_001410742.1, NM_001419814.1); c.3599A>G, p.Glu1200Gly (NM_001419809.1); c.3497A>G, p.Glu1166Gly (NM_001419810.1, NM_001419813.1); c.3464A>G, p.Glu1155Gly (NM_001419811.1, NM_001291416.2); c.3443A>G, p.Glu1148Gly (NM_001419812.1, NM_021140.4); c.3308A>G, p.Glu1103Gly (NM_001291417.2); short protein forms E1069G, E1103G, E1114G, E1148G, E1155G, E1166G, E1200G, E852G.
Identifiers: ClinVar variation 4885519 (VCV004885519.2).

ClinVar aggregate classification (germline): Uncertain significance (1 of 4 stars; one submission).

Submission:

Dasa
Classification: Uncertain significance. Last evaluated: 2025-08-27. Review status: criteria provided, single submitter. Criteria: DASA Assertion Criteria. Collection method: clinical testing. Allele origin: germline.
Comment: NM_001291415.2(KDM6A):c.3599A>G (p.Glu1200Gly) is a missense variant that results in the substitution of glutamic acid with glycine. This variant is absent from population databases. Computational prediction algorithms are consistent with a deleterious effect. The currently available literature and clinical evidence are not sufficient to establish a definitive association between this variant and the reported condition. Therefore, this variant is classified as a variant of uncertain significance.